The following is an entry in ClinVar:

ClinVar aggregate classification (germline): Conflicting classifications of pathogenicity. Review status: criteria provided, conflicting classifications (1 of 4 stars). 2 submissions from 2 submitters: Likely pathogenic (1); Uncertain significance (1). Last evaluated 2024-01-09.

Conditions:
Cardioencephalomyopathy, fatal infantile, due to cytochrome c oxidase deficiency 1 (MC4DN2). Also called: MITOCHONDRIAL COMPLEX IV DEFICIENCY, NUCLEAR TYPE 2; CYTOCHROME c OXIDASE DEFICIENCY, FATAL INFANTILE, WITH CARDIOENCEPHALOMYOPATHY. Identifiers: Orphanet 1561, MedGen C5399977, MONDO:0011451, OMIM 604377.
Myopia 6 (MYP6). Identifiers: MedGen C1837148, MONDO:0012154, OMIM 608908.

Allele frequency attached by ClinVar (database versions not stated): gnomAD 0.00001.
gnomAD v4.1: 2 of 1,613,116 alleles (0.00012%); highest among the groups gnomAD compares: Admixed American, 0.0017%; no homozygotes.

Submissions (2):

Fulgent Genetics
Classification: Likely pathogenic for Cardioencephalomyopathy, fatal infantile, due to cytochrome c oxidase deficiency 1; Myopia 6. Last evaluated: 2024-01-09. Review status: criteria provided, single submitter. Criteria: ACMG Guidelines, 2015. Collection method: clinical testing. Allele origin: germline.

GeneDx
Classification: Uncertain significance. Last evaluated: 2022-06-24. Review status: criteria provided, single submitter. Criteria: GeneDx Variant Classification Process June 2021. Collection method: clinical testing. Allele origin: germline. Affected: yes.
Comment: Has not been previously published as pathogenic or benign to our knowledge; Normal stop codon changed to a serine codon, leading to the addition of an unknown number of amino acids at the C-terminus because the new stop codon cannot be predicted; Not observed at significant frequency in large population cohorts (gnomAD)

NM_005138.3(SCO2):c.800G>C (p.Ter267Ser)

Genes: NCAPH2 (non-SMC condensin II complex subunit H2; plus strand), SCO2 (synthesis of cytochrome C oxidase 2; minus strand). Cytogenetic location: 22q13.33.
Variant type: single nucleotide variant.
Coding change: c.800G>C on transcript NM_005138.3 (MANE Select); coding-DNA position 800, G replaced by C.
Protein change: p.Ter267Ser.
Molecular consequence: stop lost. On other transcripts: 3 prime UTR variant (2).
Genome position (GRCh38, 1-based): chr22:50,523,612, C>G on the plus strand (G>C on the coding strand, the complement: SCO2 is on the minus strand). VCF-style: chr22-50523612-C-G. GRCh37 (hg19) VCF-style: chr22-50962041-C-G.
Other names: c.*237C>G (NM_001185011.2, NM_152299.4); c.800G>C, p.Ter267Ser (NM_001169109.2, NM_001169110.1, NM_001169111.2).
Identifiers: ClinVar variation 1806547 (VCV001806547.2), dbSNP rs985148465, ClinGen allele CA325554969.